The following is an entry in ClinVar:

NM_001321821.2(RAD51B):c.1125T>C (p.Asp375=)

Gene: RAD51B (RAD51 paralog B; plus strand). Cytogenetic location: 14q24.1.
Variant type: single nucleotide variant.
Coding change: c.1125T>C on transcript NM_001321821.2; coding-DNA position 1125, T replaced by C.
Protein change: p.Asp375=; no amino-acid change (aspartic acid 375 retained).
Molecular consequence: synonymous variant. On other transcripts: 3 prime UTR variant (1), intron variant (2).
Genome position (GRCh38, 1-based): chr14:68,611,094, T>C. VCF-style: chr14-68611094-T-C. GRCh37 (hg19) VCF-style: chr14-69077811-T-C.
Other names: c.*122T>C (NM_001321809.2); c.1037-71843T>C (NM_001321818.2); c.923-64T>C (NM_001321815.1).
Identifiers: ClinVar variation 3037700 (VCV003037700.2), dbSNP rs116719491, ClinGen allele CA7241438.

ClinVar aggregate classification (germline): Benign (0 of 4 stars; one submission).

Conditions:
RAD51B-related disorder. Also called: RAD51B-related condition.

Allele frequency attached by ClinVar (database versions not stated): gnomAD exomes 0.00087; ExAC 0.00192; 1000 Genomes Project 0.00938; 1000 Genomes Project 30x 0.00984.
gnomAD v4.1: 1,567 of 703,190 alleles (0.22%); highest among the groups gnomAD compares: African/African-American, 2.3%; 15 homozygotes.

Submission:

PreventionGenetics, part of Exact Sciences
Classification: Benign for RAD51B-related condition. Last evaluated: 2019-03-15. Review status: no assertion criteria provided. Collection method: clinical testing. Allele origin: germline.
Comment: This variant is classified as benign based on ACMG/AMP sequence variant interpretation guidelines (Richards et al. 2015 PMID: 25741868, with internal and published modifications).